The following is an entry in ClinVar:

NM_017654.4(SAMD9):c.707A>G (p.His236Arg)

Gene: SAMD9 (sterile alpha motif domain containing 9; minus strand). Cytogenetic location: 7q21.2.
Variant type: single nucleotide variant.
Coding change: c.707A>G on transcript NM_017654.4 (MANE Select); coding-DNA position 707, A replaced by G.
Protein change: p.His236Arg; replaces histidine 236 with arginine.
Molecular consequence: missense variant.
Genome position (GRCh38, 1-based): chr7:93,105,391, T>C on the plus strand (A>G on the coding strand, the complement: SAMD9 is on the minus strand). VCF-style: chr7-93105391-T-C. GRCh37 (hg19) VCF-style: chr7-92734704-T-C.
Other names: c.707A>G, p.His236Arg (NM_001193307.2); short protein forms H236R.
Identifiers: ClinVar variation 3949669 (VCV003949669.1).

ClinVar aggregate classification (germline): Uncertain significance (1 of 4 stars; one submission).

Conditions:
Inborn genetic diseases. Identifiers: MedGen C0950123, MeSH D030342.

gnomAD v4.1: 10 of 1,614,028 alleles (0.00062%); highest among the groups gnomAD compares: South Asian, 0.0066%; no homozygotes.

Submission:

Ambry Genetics
Classification: Uncertain significance for Inborn genetic diseases. Last evaluated: 2025-05-24. Review status: criteria provided, single submitter. Criteria: Ambry Variant Classification Scheme 2023. Collection method: clinical testing. Allele origin: germline.
Comment: The p.H236R variant (also known as c.707A>G), located in coding exon 1 of the SAMD9 gene, results from an A to G substitution at nucleotide position 707. The histidine at codon 236 is replaced by arginine, an amino acid with highly similar properties. This amino acid position is conserved. In addition, the in silico prediction for this alteration is inconclusive. Based on the available evidence, the clinical significance of this variant remains unclear.